The following is an entry in ClinVar:

ClinVar aggregate classification (germline): Uncertain significance (1 of 4 stars; one submission).

Conditions:
Inborn genetic diseases. Identifiers: MedGen C0950123, MeSH D030342.

Submission:

Ambry Genetics
Classification: Uncertain significance for Inborn genetic diseases. Last evaluated: 2021-07-17. Review status: criteria provided, single submitter. Criteria: Ambry Variant Classification Scheme 2023. Collection method: clinical testing. Allele origin: germline.
Comment: The p.S223T variant (also known as c.668G>C), located in coding exon 7 of the RAD51 gene, results from a G to C substitution at nucleotide position 668. The serine at codon 223 is replaced by threonine, an amino acid with similar properties. This amino acid position is conserved. In addition, this alteration is predicted to be deleterious by in silico analysis. Since supporting evidence is limited at this time, the clinical significance of this alteration remains unclear.

NM_002875.5(RAD51):c.668G>C (p.Ser223Thr)

Gene: RAD51 (RAD51 recombinase; plus strand). Cytogenetic location: 15q15.1.
Variant type: single nucleotide variant.
Coding change: c.668G>C on transcript NM_002875.5 (MANE Select); coding-DNA position 668, G replaced by C.
Protein change: p.Ser223Thr; replaces serine 223 with threonine.
Molecular consequence: missense variant.
Genome position (GRCh38, 1-based): chr15:40,729,528, G>C. VCF-style: chr15-40729528-G-C. GRCh37 (hg19) VCF-style: chr15-41021726-G-C.
Other names: c.671G>C, p.Ser224Thr (NM_001164269.2, NM_133487.4); c.668G>C, p.Ser223Thr (NM_001164270.2); short protein forms S224T, S223T.
Identifiers: ClinVar variation 1754905 (VCV001754905.2), dbSNP rs1020338909, ClinGen allele CA391758586.